The following is an entry in ClinVar:

ClinVar aggregate classification (germline): Uncertain significance. Review status: criteria provided, multiple submitters, no conflicts (2 of 4 stars). 3 submissions from 3 submitters: Uncertain significance (3). Last evaluated 2025-05-05.

Conditions:
Autosomal recessive severe congenital neutropenia due to G6PC3 deficiency. Also called: G6PC3 Deficiency; NEUTROPENIA, SEVERE CONGENITAL, 4, AUTOSOMAL RECESSIVE. Identifiers: Orphanet 331176, MedGen C2751630, MONDO:0012930, OMIM 612541.
Inborn genetic diseases. Identifiers: MedGen C0950123, MeSH D030342.

Allele frequency attached by ClinVar (database versions not stated): gnomAD below 0.00001 and 0.00001.
gnomAD v4.1: 32 of 1,614,208 alleles (0.002%); highest among the groups gnomAD compares: South Asian, 0.033%; 1 homozygote.

Submissions (3):

Ambry Genetics
Classification: Uncertain significance for Inborn genetic diseases. Last evaluated: 2025-05-05. Review status: criteria provided, single submitter. Criteria: Ambry Variant Classification Scheme 2023. Collection method: clinical testing. Allele origin: germline.
Comment: The p.S225C variant (also known as c.674C>G), located in coding exon 5 of the G6PC3 gene, results from a C to G substitution at nucleotide position 674. The serine at codon 225 is replaced by cysteine, an amino acid with dissimilar properties. This amino acid position is conserved. In addition, the in silico prediction for this alteration is inconclusive. Based on the available evidence, the clinical significance of this variant remains unclear.

Labcorp Genetics (formerly Invitae), Labcorp
Classification: Uncertain significance for Autosomal recessive severe congenital neutropenia due to G6PC3 deficiency. Last evaluated: 2024-05-16. Review status: criteria provided, single submitter. Criteria: Invitae Variant Classification Sherloc (09022015). Collection method: clinical testing. Allele origin: germline.
Comment: This sequence change replaces serine, which is neutral and polar, with cysteine, which is neutral and slightly polar, at codon 225 of the G6PC3 protein (p.Ser225Cys). This variant is present in population databases (rs748442084, gnomAD 0.02%). This variant has not been reported in the literature in individuals affected with G6PC3-related conditions. ClinVar contains an entry for this variant (Variation ID: 654078). Advanced modeling of protein sequence and biophysical properties (such as structural, functional, and spatial information, amino acid conservation, physicochemical variation, residue mobility, and thermodynamic stability) has been performed at Invitae for this missense variant, however the output from this modeling did not meet the statistical confidence thresholds required to predict the impact of this variant on G6PC3 protein function. In summary, the available evidence is currently insufficient to determine the role of this variant in disease. Therefore, it has been classified as a Variant of Uncertain Significance.

CeGaT Center for Human Genetics Tuebingen
Classification: Uncertain significance. Last evaluated: 2023-07-01. Review status: criteria provided, single submitter. Criteria: CeGaT Center For Human Genetics Tuebingen Variant Classification Criteria Version 2. Collection method: clinical testing. Allele origin: germline. Affected: yes. Observed: 1 variant allele.

NM_138387.4(G6PC3):c.674C>G (p.Ser225Cys)

Gene: G6PC3 (glucose-6-phosphatase catalytic subunit 3; plus strand). Cytogenetic location: 17q21.31.
Variant type: single nucleotide variant.
Coding change: c.674C>G on transcript NM_138387.4 (MANE Select); coding-DNA position 674, C replaced by G.
Protein change: p.Ser225Cys; replaces serine 225 with cysteine.
Molecular consequence: missense variant.
Genome position (GRCh38, 1-based): chr17:44,075,448, C>G. VCF-style: chr17-44075448-C-G. GRCh37 (hg19) VCF-style: chr17-42152816-C-G.
Other names: c.555C>G, p.Phe185Leu (NM_001319945.2); c.329C>G, p.Ser110Cys (NM_001384165.1, NM_001384166.1, NM_001384167.1 and 1 more transcripts); short protein forms S225C, F185L, S110C.
Identifiers: ClinVar variation 654078 (VCV000654078.27), dbSNP rs748442084, ClinGen allele CA8596108.